The following is an entry in ClinVar:

NM_144999.4(LRRC45):c.1259_1263del (p.Arg420fs)

Gene: LRRC45 (leucine rich repeat containing 45; plus strand). Cytogenetic location: 17q25.3.
Variant type: Microsatellite.
Coding change: c.1259_1263del on transcript NM_144999.4 (MANE Select); coding-DNA positions 1259 to 1263, 5 bases deleted (GAAGA; older notation c.1259_1263delGAAGA).
Protein change: p.Arg420fs; shifts the reading frame from arginine 420.
Molecular consequence: frameshift variant.
Genome position (GRCh38, 1-based): chr17:82,028,634-82,028,638, GAAGA deleted; deleting any 5 consecutive bases within chr17:82,028,627-82,028,638 gives the same sequence; the c. name uses the placement nearest the transcript's 3' end. VCF-style (leftmost placement, unchanged base first): chr17-82028626-GGAGAA-G. GRCh37 (hg19) VCF-style: chr17-79986502-GGAGAA-G.
Other names: short protein forms R420fs.
Identifiers: ClinVar variation 3345925 (VCV003345925.1).

ClinVar aggregate classification (germline): Uncertain significance (0 of 4 stars; one submission).

Conditions:
LRRC45-related disorder. Also called: LRRC45-related condition.

Submission:

PreventionGenetics, part of Exact Sciences
Classification: Uncertain significance for LRRC45-related condition. Last evaluated: 2024-09-25. Review status: no assertion criteria provided. Collection method: clinical testing. Allele origin: germline.
Comment: The LRRC45 c.1259_1263del5 variant is predicted to result in a frameshift and premature protein termination (p.Arg420Metfs*27). To our knowledge, this variant has not been reported in the literature or in a large population database, indicating this variant is rare. At this time, the clinical significance of this variant is uncertain due to the absence of conclusive functional and genetic evidence.